The following is an entry in ClinVar:

NM_006030.4(CACNA2D2):c.1849T>A (p.Tyr617Asn)

Gene: CACNA2D2 (calcium voltage-gated channel auxiliary subunit alpha2delta 2; minus strand). Cytogenetic location: 3p21.31.
Variant type: single nucleotide variant.
Coding change: c.1849T>A on transcript NM_006030.4 (MANE Select); coding-DNA position 1849, T replaced by A.
Protein change: p.Tyr617Asn; replaces tyrosine 617 with asparagine.
Molecular consequence: missense variant.
Genome position (GRCh38, 1-based): chr3:50,375,702, A>T on the plus strand (T>A on the coding strand, the complement: CACNA2D2 is on the minus strand). VCF-style: chr3-50375702-A-T. GRCh37 (hg19) VCF-style: chr3-50413133-A-T.
Other names: c.1849T>A, p.Tyr617Asn (NM_001005505.3, NM_001174051.3); c.1642T>A, p.Tyr548Asn (NM_001291101.1); short protein forms Y617N, Y548N.
Identifiers: ClinVar variation 1040481 (VCV001040481.6), dbSNP rs1177285654, ClinGen allele CA352923821.
Genomic context (GRCh38, chr3:50,375,702, plus strand): 5'-ACCTGTAGTTAGTGCTCCTTATAGGCACCCAGGTGTAGTTCCGTGTCACCTCATCTATGT[A>T]CCTCTGGGAGAGGAGGCTGGGTCAGGTACTTGGGCTAGCAGGCAGGGGGCGCTGGGGTAG-3'
Protein context (NP_006021.2, residues 607-627): RTLVKSLDER[Tyr617Asn]IDEVTRNYTW

ClinVar aggregate classification (germline): Uncertain significance (1 of 4 stars; one submission).

Conditions:
Early-infantile DEE. Also called: Ohtahara syndrome; Early infantile epileptic encephalopathy with suppression bursts; Early infantile epileptic encephalopathy. Identifiers: Orphanet 1934, MedGen C0393706, MONDO:0800491.

Allele frequency attached by ClinVar (database versions not stated): gnomAD exomes below 0.00001; gnomAD 0.00001; TOPMed 0.00001.

Submission:

Labcorp Genetics (formerly Invitae), Labcorp
Classification: Uncertain significance for Early-infantile DEE. Last evaluated: 2020-05-28. Review status: criteria provided, single submitter. Criteria: Invitae Variant Classification Sherloc (09022015). Collection method: clinical testing. Allele origin: germline.
Comment: This sequence change replaces tyrosine with asparagine at codon 617 of the CACNA2D2 protein (p.Tyr617Asn). The tyrosine residue is moderately conserved and there is a large physicochemical difference between tyrosine and asparagine. This variant is not present in population databases (ExAC no frequency). This variant has not been reported in the literature in individuals with CACNA2D2-related conditions. Algorithms developed to predict the effect of missense changes on protein structure and function are either unavailable or do not agree on the potential impact of this missense change (SIFT: "Deleterious"; PolyPhen-2: "Probably Damaging"; Align-GVGD: "Class C0"). In summary, the available evidence is currently insufficient to determine the role of this variant in disease. Therefore, it has been classified as a Variant of Uncertain Significance.